The following is an entry in ClinVar:

ClinVar aggregate classification (germline): Pathogenic (1 of 4 stars; one submission).

Conditions:
Fanconi anemia (FA). Also called: Fanconi's anemia. Identifiers: Orphanet 84, MedGen C0015625, MeSH D005199, MONDO:0019391.

Submission:

Labcorp Genetics (formerly Invitae), Labcorp
Classification: Pathogenic for Fanconi anemia. Last evaluated: 2022-07-19. Review status: criteria provided, single submitter. Criteria: Invitae Variant Classification Sherloc (09022015). Collection method: clinical testing. Allele origin: germline.
Comment: For these reasons, this variant has been classified as Pathogenic. This variant has not been reported in the literature in individuals affected with FANCM-related conditions. This variant is a gross deletion of the genomic region encompassing exon(s) 1-3 of the FANCM gene, which includes the initiator codon. This deletion extends beyond the assayed region for this gene and therefore may encompass additional genes. It is expected to result in an absent or disrupted protein product. Loss-of-function variants in FANCM are known to be pathogenic (PMID: 29895858, 30075111).

Literature cited by the submitters: PubMed 29895858; PubMed 30075111.

NC_000014.8:g.(?_45605235)_(45609922_?)del

Gene: FANCM (FA complementation group M; plus strand). Cytogenetic location: 14q21.2.
Variant type: Deletion.
Identifiers: ClinVar variation 1456707 (VCV001456707.5).